The following is an entry in ClinVar:

NM_144997.7(FLCN):c.199del (p.Ala67fs)

Gene: FLCN (folliculin; minus strand). Cytogenetic location: 17p11.2.
Variant type: Deletion.
Coding change: c.199del on transcript NM_144997.7 (MANE Select); coding-DNA position 199, one base deleted (G; older notation c.199delG).
Protein change: p.Ala67fs; shifts the reading frame from alanine 67.
Molecular consequence: frameshift variant.
Genome position (GRCh38, 1-based): chr17:17,227,939, C deleted on the plus strand (G on the coding strand, the reverse complement: FLCN is on the minus strand); the first of 5 consecutive C bases (chr17:17,227,939-17,227,943); deleting any one gives the same sequence. VCF-style (leftmost placement, unchanged base first): chr17-17227938-GC-G. GRCh37 (hg19) VCF-style: chr17-17131252-GC-G.
Other names: c.199del (LRG_325t1, NM_144997.5, NM_144997.6); c.199del, p.Ala67fs (NM_001353229.2, NM_001353230.2, NM_001353231.2 and 1 more transcripts); short protein forms A67fs.
Identifiers: ClinVar variation 485627 (VCV000485627.14), dbSNP rs1555611438, ClinGen allele CA658658540.
Genomic context (GRCh38, chr17:17,227,938, plus strand): 5'-AAGACACTTGCCTCGCACATGTCCGACTTTTTGGGCCCCGGGCTGCTGGACTCGACGCTG[GC>G]CCCCTCTGCGGGGCTGTGCGCACGCATCCGACTGTTCATCTGAATGCCACCTTCCTCTTC-3'

ClinVar aggregate classification (germline): Pathogenic. Review status: criteria provided, multiple submitters, no conflicts (2 of 4 stars). 3 submissions from 3 submitters: Pathogenic (3). Last evaluated 2024-11-15.

Conditions:
Birt-Hogg-Dube syndrome. Also called: Birt Hogg Dubé syndrome. Identifiers: Orphanet 122, MedGen C0346010, MONDO:0800444.
Hereditary cancer-predisposing syndrome. Also called: Tumor predisposition; Neoplastic Syndromes, Hereditary; Hereditary Cancer Syndrome; Hereditary neoplastic syndrome. Identifiers: Orphanet 140162, MedGen C0027672, MeSH D009386, MONDO:0015356.

Submissions (3):

Quest Diagnostics Nichols Institute San Juan Capistrano
Classification: Pathogenic. Last evaluated: 2024-11-15. Review status: criteria provided, single submitter. Criteria: Quest Diagnostics criteria. Collection method: clinical testing. Allele origin: unknown.
Comment: The FLCN c.199del (p.Ala67Profs*63) variant alters the translational reading frame of the FLCN mRNA and causes the premature termination of FLCN protein synthesis. This variant has not been reported in individuals with FLCN-related conditions in the published literature. This variant has not been reported in large, multi-ethnic general populations (Genome Aggregation Database). The provided clinical features of an individual in our internal patient population who carried this variant are consistent with disease associated with this gene. Based on the available information, this variant is classified as pathogenic.

Ambry Genetics
Classification: Pathogenic for Hereditary cancer-predisposing syndrome. Last evaluated: 2024-06-11. Review status: criteria provided, single submitter. Criteria: Ambry Variant Classification Scheme 2023. Collection method: clinical testing. Allele origin: germline.
Comment: The c.199delG pathogenic mutation, located in coding exon 1 of the FLCN gene, results from a deletion of one nucleotide at nucleotide position 199, causing a translational frameshift with a predicted alternate stop codon (p.A67Pfs*63). This variant is considered to be rare based on population cohorts in the Genome Aggregation Database (gnomAD). This alteration is expected to result in loss of function by premature protein truncation or nonsense-mediated mRNA decay. As such, this alteration is interpreted as a disease-causing mutation.

Labcorp Genetics (formerly Invitae), Labcorp
Classification: Pathogenic for Birt-Hogg-Dube syndrome. Last evaluated: 2019-05-05. Review status: criteria provided, single submitter. Criteria: Invitae Variant Classification Sherloc (09022015). Collection method: clinical testing. Allele origin: germline.
Comment: This variant has not been reported in the literature in individuals with FLCN-related conditions. ClinVar contains an entry for this variant (Variation ID: 485627). This variant is not present in population databases (ExAC no frequency). This sequence change creates a premature translational stop signal (p.Ala67Profs*63) in the FLCN gene. It is expected to result in an absent or disrupted protein product. Loss-of-function variants in FLCN are known to be pathogenic (PMID: 15852235). For these reasons, this variant has been classified as Pathogenic.

Literature cited by the submitters: PubMed 15852235 (cited by Labcorp Genetics (formerly Invitae), Labcorp).